The following is an entry in ClinVar:

ClinVar aggregate classification (germline): Likely pathogenic (1 of 4 stars; one submission).

Submission:

GeneDx
Classification: Likely pathogenic. Last evaluated: 2023-11-22. Review status: criteria provided, single submitter. Criteria: GeneDx Variant Classification Process June 2021. Collection method: clinical testing. Allele origin: germline. Affected: yes.
Comment: Not observed at significant frequency in large population cohorts (gnomAD); In silico analysis supports that this missense variant has a deleterious effect on protein structure/function; This variant is associated with the following publications: (PMID: 32820033)

NM_001007527.2(LMBRD2):c.976C>G (p.Gln326Glu)

Gene: LMBRD2 (LMBR1 domain containing 2; minus strand). Cytogenetic location: 5p13.2.
Variant type: single nucleotide variant.
Coding change: c.976C>G on transcript NM_001007527.2 (MANE Select); coding-DNA position 976, C replaced by G.
Protein change: p.Gln326Glu; replaces glutamine 326 with glutamic acid.
Molecular consequence: missense variant.
Genome position (GRCh38, 1-based): chr5:36,122,424, G>C on the plus strand (C>G on the coding strand, the complement: LMBRD2 is on the minus strand). VCF-style: chr5-36122424-G-C. GRCh37 (hg19) VCF-style: chr5-36122526-G-C.
Other names: short protein forms Q326E.
Identifiers: ClinVar variation 3342609 (VCV003342609.1).